The following is an entry in ClinVar:

ClinVar aggregate classification (germline): Uncertain significance (1 of 4 stars; one submission).

Submission:

GeneDx
Classification: Uncertain significance. Last evaluated: 2013-11-26. Review status: criteria provided, single submitter. Criteria: GeneDx Variant Classification (06012015). Collection method: clinical testing. Allele origin: germline. Affected: yes.
Comment: Missense variants in the TTN gene are considered 'unclassified' if they are not previously reported in the literature and do not have >1% frequency in the population to be considered a polymorphism. Research indicates that truncating mutations in the TTN gene are expected to account for approximately 25% of familial and 18% of sporadic idiopathic DCM; however, truncating variants in the TTN gene have been reported in approximately 3% of reported control alleles. There has been little investigation into non-truncating variants. (Herman D et al. Truncations of titin causing dilated cardiomyopathy. N Eng J Med 366:619-628, 2012) The variant is found in CARDIOMYOPATHY panel(s).

NM_001267550.2(TTN):c.26146A>G (p.Lys8716Glu)

Gene: TTN (titin; minus strand). Cytogenetic location: 2q31.2.
Variant type: single nucleotide variant.
Coding change: c.26146A>G on transcript NM_001267550.2 (MANE Select); coding-DNA position 26146, A replaced by G.
Protein change: p.Lys8716Glu; replaces lysine 8716 with glutamic acid.
Molecular consequence: missense variant. On other transcripts: intron variant (3).
Genome position (GRCh38, 1-based): chr2:178,715,040, T>C on the plus strand (A>G on the coding strand, the complement: TTN is on the minus strand). VCF-style: chr2-178715040-T-C. GRCh37 (hg19) VCF-style: chr2-179579767-T-C.
Other names: p.K8399E:AAA>GAA; c.25195A>G, p.Lys8399Glu (NM_001256850.1); c.22414A>G, p.Lys7472Glu (NM_133378.4); c.13282+23042A>G (NM_003319.4); c.13858+23042A>G (NM_133437.4); c.13657+23042A>G (NM_133432.3); short protein forms K8399E, K8716E, K7472E.
Identifiers: ClinVar variation 203342 (VCV000203342.2), dbSNP rs794729632, ClinGen allele CA312094.